The following is an entry in ClinVar:

ClinVar aggregate classification (germline): Likely benign. Review status: criteria provided, multiple submitters, no conflicts (2 of 4 stars). 2 submissions from 2 submitters: Likely benign (2). Last evaluated 2025-06-17.

Conditions:
PEX2-related disorder. Also called: PEX2-related condition.
Peroxisome biogenesis disorder 5A (Zellweger) (PBD5A). Identifiers: Orphanet 912, MedGen C3553940, MONDO:0013932, OMIM 614866.

Allele frequency attached by ClinVar (database versions not stated): gnomAD exomes below 0.00001; gnomAD 0.00001; TOPMed 0.00003.
gnomAD v4.1: 2 of 1,613,636 alleles (0.00012%); highest among the groups gnomAD compares: African/African-American, 0.0027%; no homozygotes.

Submissions (2):

Labcorp Genetics (formerly Invitae), Labcorp
Classification: Likely benign for Peroxisome biogenesis disorder 5A (Zellweger). Last evaluated: 2025-06-17. Review status: criteria provided, single submitter. Criteria: Invitae Variant Classification Sherloc (09022015). Collection method: clinical testing. Allele origin: germline.

PreventionGenetics, part of Exact Sciences
Classification: Likely benign for PEX2-related condition. Last evaluated: 2024-11-24. Review status: criteria provided, single submitter. Criteria: ACMG Guidelines, 2015. Collection method: clinical testing. Allele origin: germline.
Comment: This variant is classified as likely benign based on ACMG/AMP sequence variant interpretation guidelines (Richards et al. 2015 PMID: 25741868, with internal and published modifications).

NM_000318.3(PEX2):c.69T>G (p.Leu23=)

Gene: PEX2 (peroxisomal biogenesis factor 2; minus strand). Cytogenetic location: 8q21.13.
Variant type: single nucleotide variant.
Coding change: c.69T>G on transcript NM_000318.3 (MANE Select); coding-DNA position 69, T replaced by G.
Protein change: p.Leu23=; no amino-acid change (leucine 23 retained).
Molecular consequence: synonymous variant.
Genome position (GRCh38, 1-based): chr8:76,984,110, A>C on the plus strand (T>G on the coding strand, the complement: PEX2 is on the minus strand). VCF-style: chr8-76984110-A-C. GRCh37 (hg19) VCF-style: chr8-77896346-A-C.
Other names: c.69T>G (NM_000318.2); c.69T>G, p.Leu23= (NM_001079867.2, NM_001172086.2, NM_001172087.2).
Identifiers: ClinVar variation 2721168 (VCV002721168.4), dbSNP rs893996633, ClinGen allele CA179988288.